The following is an entry in ClinVar:

NM_004656.4(BAP1):c.1945T>C (p.Cys649Arg)

Gene: BAP1 (BRCA1 associated deubiquitinase 1; minus strand). Cytogenetic location: 3p21.1.
Variant type: single nucleotide variant.
Coding change: c.1945T>C on transcript NM_004656.4 (MANE Select); coding-DNA position 1945, T replaced by C.
Protein change: p.Cys649Arg; replaces cysteine 649 with arginine.
Molecular consequence: missense variant.
Genome position (GRCh38, 1-based): chr3:52,402,817, A>G on the plus strand (T>C on the coding strand, the complement: BAP1 is on the minus strand). VCF-style: chr3-52402817-A-G. GRCh37 (hg19) VCF-style: chr3-52436833-A-G.
Other names: c.1891T>C, p.Cys631Arg (NM_001410772.1); short protein forms C631R, C649R.
Identifiers: ClinVar variation 1783121 (VCV001783121.2), dbSNP rs2153226305, ClinGen allele CA353096655.
Genomic context (GRCh38, chr3:52,402,817, plus strand): 5'-GGCAACTGGAGAAATCACCCACCTTGAACTTCTTCCTCTTCTCTACCTCCTCCTTGAGGC[A>G]CGCCTCATAGTTTGCAATCTCAGCCTCCACACACTTCAGCAGTGCCAGCAGCTCCTGCCA-3'
Protein context (NP_004647.1, residues 639-659): VEAEIANYEA[Cys649Arg]LKEEVEKRKK

ClinVar aggregate classification (germline): Uncertain significance (1 of 4 stars; one submission).

Conditions:
Hereditary cancer-predisposing syndrome. Also called: Neoplastic Syndromes, Hereditary; Tumor predisposition; Hereditary Cancer Syndrome; Hereditary neoplastic syndrome. Identifiers: Orphanet 140162, MedGen C0027672, MeSH D009386, MONDO:0015356.

Submission:

Ambry Genetics
Classification: Uncertain significance for Hereditary cancer-predisposing syndrome. Last evaluated: 2022-03-01. Review status: criteria provided, single submitter. Criteria: Ambry Variant Classification Scheme 2023. Collection method: clinical testing. Allele origin: germline.
Comment: The p.C649R variant (also known as c.1945T>C), located in coding exon 15 of the BAP1 gene, results from a T to C substitution at nucleotide position 1945. The cysteine at codon 649 is replaced by arginine, an amino acid with highly dissimilar properties. This amino acid position is conserved. In addition, the in silico prediction for this alteration is inconclusive. Since supporting evidence is limited at this time, the clinical significance of this alteration remains unclear.